The following is an entry in ClinVar:

ClinVar aggregate classification (germline): Benign/Likely benign. Review status: criteria provided, multiple submitters, no conflicts (2 of 4 stars). 3 submissions from 3 submitters: Benign (1); Likely benign (2). Last evaluated 2026-08-13.

Conditions:
TUBGCP4-related disorder. Also called: TUBGCP4-related condition.

Allele frequency attached by ClinVar (database versions not stated): gnomAD exomes 0.00004 and 0.00014; ExAC 0.00022; ESP Exome Variant Server 0.00025; TOPMed 0.00048; gnomAD 0.00050; 1000 Genomes Project 0.00120; 1000 Genomes Project 30x 0.00156.
gnomAD v4.1: 140 of 1,613,994 alleles (0.0087%); highest among the groups gnomAD compares: African/African-American, 0.16%; no homozygotes.

Submissions (3):

PreventionGenetics, part of Exact Sciences
Classification: Likely benign for TUBGCP4-related condition. Last evaluated: 2026-08-13. Review status: criteria provided, single submitter. Criteria: ACMG Guidelines, 2015. Collection method: clinical testing. Allele origin: germline.
Comment: This variant is classified as likely benign based on ACMG/AMP sequence variant interpretation guidelines (Richards et al. 2015 PMID: 25741868, with internal and published modifications).

Labcorp Genetics (formerly Invitae), Labcorp
Classification: Benign. Last evaluated: 2025-11-08. Review status: criteria provided, single submitter. Criteria: Invitae Variant Classification Sherloc (09022015). Collection method: clinical testing. Allele origin: germline.

Blueprint Genetics
Classification: Likely benign. Last evaluated: 2024-05-13. Review status: criteria provided, single submitter. Criteria: ACMG Guidelines, 2015. Collection method: clinical testing. Allele origin: germline.

NM_014444.5(TUBGCP4):c.442-5C>T

Gene: TUBGCP4 (tubulin gamma complex component 4; plus strand). Cytogenetic location: 15q15.3.
Variant type: single nucleotide variant.
Coding change: c.442-5C>T on transcript NM_014444.5 (MANE Select); 5 bases into the intron before coding-DNA position 442, C replaced by T.
Molecular consequence: intron variant.
Genome position (GRCh38, 1-based): chr15:43,380,079, C>T. VCF-style: chr15-43380079-C-T. GRCh37 (hg19) VCF-style: chr15-43672277-C-T.
Other names: c.442-5C>T (NM_001286414.3).
Identifiers: ClinVar variation 711616 (VCV000711616.12), dbSNP rs369761537, ClinGen allele CA7523793.